The following is an entry in ClinVar:

ClinVar aggregate classification (germline): Conflicting classifications of pathogenicity. Review status: criteria provided, conflicting classifications (1 of 4 stars). 14 submissions from 14 submitters: Uncertain significance (2); Benign (4); Likely benign (5). 3 of the submissions do not count toward it. Last evaluated 2026-09-01.

Conditions:
SPG11-related disorder. Also called: SPG11-related condition.
Inborn genetic diseases. Identifiers: MedGen C0950123, MeSH D030342.
Hereditary spastic paraplegia. Also called: Familial spastic paraparesis. Identifiers: Orphanet 685, MedGen C0037773, MONDO:0019064. Disease mechanism: loss of function.
Hereditary spastic paraplegia 11. Also called: Spastic paraplegia, mental retardation and thin corpus callosum; SPASTIC PARAPLEGIA, AUTOSOMAL RECESSIVE, COMPLICATED, WITH THIN CORPUS CALLOSUM; SPASTIC PARAPLEGIA, AUTOSOMAL RECESSIVE, WITH MENTAL IMPAIRMENT AND THIN CORPUS CALLOSUM; Spastic Paraplegia 11; Nakamura Osame syndrome; Autosomal recessive hereditary spastic paraplegia, mental impairment, and thin corpus callosum. Identifiers: Orphanet 2822, MedGen C1858479, MONDO:0011445, OMIM 604360.

Allele frequency attached by ClinVar (database versions not stated): 1000 Genomes Project 0.00240; 1000 Genomes Project 30x 0.00265; TOPMed 0.00369; ESP Exome Variant Server 0.00439; ExAC 0.00685; gnomAD 0.00781.
gnomAD v4.1: 9,365 of 1,614,044 alleles (0.58%); highest among the groups gnomAD compares: Non-Finnish European, 0.58%; 54 homozygotes.

Submissions (14):

CeGaT Center for Human Genetics Tuebingen
Classification: Likely benign. Last evaluated: 2026-09-01. Review status: criteria provided, single submitter. Criteria: CeGaT Center For Human Genetics Tuebingen Variant Classification Criteria Version 2. Collection method: clinical testing. Allele origin: germline. Affected: yes. Observed: 41 variant alleles.
Comment: SPG11: BP4, BP7, BS2

Labcorp Genetics (formerly Invitae), Labcorp
Classification: Benign for Hereditary spastic paraplegia 11. Last evaluated: 2026-02-04. Review status: criteria provided, single submitter. Criteria: Invitae Variant Classification Sherloc (09022015). Collection method: clinical testing. Allele origin: germline.

Blueprint Genetics
Classification: Likely benign. Last evaluated: 2024-11-26. Review status: criteria provided, single submitter. Criteria: ACMG Guidelines, 2015. Collection method: clinical testing. Allele origin: germline.

Genome Diagnostics Laboratory, The Hospital for Sick Children
Classification: Likely benign for Hereditary spastic paraplegia. Last evaluated: 2021-11-15. Review status: criteria provided, single submitter. Criteria: ACMG Guidelines, 2015. Collection method: clinical testing. Allele origin: germline. Affected: yes.

Ambry Genetics
Classification: Likely benign for Inborn genetic diseases. Last evaluated: 2019-07-11. Review status: criteria provided, single submitter. Criteria: Ambry Variant Classification Scheme 2023. Collection method: clinical testing. Allele origin: germline.

Athena Diagnostics
Classification: Benign. Last evaluated: 2018-03-29. Review status: criteria provided, single submitter. Criteria: Athena Diagnostics Criteria. Collection method: clinical testing. Allele origin: germline.

Illumina Laboratory Services, Illumina
Classification: Uncertain significance for Hereditary spastic paraplegia 11. Last evaluated: 2018-01-13. Review status: criteria provided, single submitter. Criteria: ICSL Variant Classification Criteria 13 December 2019. Collection method: clinical testing. Allele origin: germline.

GeneDx
Classification: Benign. Last evaluated: 2017-10-31. Review status: criteria provided, single submitter. Criteria: GeneDx Variant Classification (06012015). Collection method: clinical testing. Allele origin: germline. Affected: yes.
Comment: This variant is considered likely benign or benign based on one or more of the following criteria: it is a conservative change, it occurs at a poorly conserved position in the protein, it is predicted to be benign by multiple in silico algorithms, and/or has population frequency not consistent with disease.

Clinical Genetics DNA and cytogenetics Diagnostics Lab, Erasmus MC, Erasmus Medical Center
Classification: Likely benign for Hereditary spastic paraplegia 11. Last evaluated: 2017-06-28. Review status: criteria provided, single submitter. Criteria: ACGS Guidelines, 2013. Collection method: clinical testing. Allele origin: germline. Affected: yes. Study: VKGL Data-share Consensus.

Mayo Clinic Laboratories, Mayo Clinic
Classification: Benign. Last evaluated: 2016-11-18. Review status: criteria provided, single submitter. Criteria: ACMG Guidelines, 2015. Collection method: clinical testing. Allele origin: germline. Observed: 41 variant alleles.

Genetic Services Laboratory, University of Chicago
Classification: Uncertain significance. Last evaluated: 2014-03-06. Review status: criteria provided, single submitter. Criteria: ACMG Guidelines, 2007. Collection method: clinical testing. Allele origin: germline. Inheritance: Autosomal recessive inheritance.

PreventionGenetics, part of Exact Sciences
Classification: Benign for SPG11-related condition. Last evaluated: 2019-06-15. Review status: no assertion criteria provided. Collection method: clinical testing. Allele origin: germline. Not counted in ClinVar's aggregate classification.
Comment: This variant is classified as benign based on ACMG/AMP sequence variant interpretation guidelines (Richards et al. 2015 PMID: 25741868, with internal and published modifications).

Genome Diagnostics Laboratory, Amsterdam University Medical Center
Classification: Likely benign for Hereditary spastic paraplegia 11. Last evaluated: 2017-01-04. Review status: no assertion criteria provided. Criteria: ACGS Guidelines, 2013. Collection method: clinical testing. Allele origin: germline. Affected: yes. Study: VKGL Data-share Consensus. Not counted in ClinVar's aggregate classification.

Diagnostic Laboratory, Department of Genetics, University Medical Center Groningen
Classification: Likely benign for Hereditary spastic paraplegia 11. Review status: no assertion criteria provided. Collection method: clinical testing. Allele origin: germline. Affected: yes. Study: VKGL Data-share Consensus. Not counted in ClinVar's aggregate classification.

Literature cited by the submitters: PubMed 19087158 (cited by Athena Diagnostics).

NM_025137.4(SPG11):c.6258G>T (p.Leu2086=)

Gene: SPG11 (SPG11 vesicle trafficking associated, spatacsin; minus strand). Cytogenetic location: 15q21.1.
Variant type: single nucleotide variant.
Coding change: c.6258G>T on transcript NM_025137.4 (MANE Select); coding-DNA position 6258, G replaced by T.
Protein change: p.Leu2086=; no amino-acid change (leucine 2086 retained).
Molecular consequence: synonymous variant.
Genome position (GRCh38, 1-based): chr15:44,572,768, C>A on the plus strand (G>T on the coding strand, the complement: SPG11 is on the minus strand). VCF-style: chr15-44572768-C-A. GRCh37 (hg19) VCF-style: chr15-44864966-C-A.
Other names: p.Leu2086=; c.5919G>T, p.Leu1973= (NM_001160227.2).
Identifiers: ClinVar variation 130366 (VCV000130366.62), dbSNP rs150761878, ClinGen allele CA231526.